The following is an entry in ClinVar:

NM_031935.3(HMCN1):c.11933G>A (p.Arg3978Gln)

Gene: HMCN1 (hemicentin 1; plus strand). Cytogenetic location: 1q31.1.
Variant type: single nucleotide variant.
Coding change: c.11933G>A on transcript NM_031935.3 (MANE Select); coding-DNA position 11933, G replaced by A.
Protein change: p.Arg3978Gln; replaces arginine 3978 with glutamine.
Molecular consequence: missense variant.
Genome position (GRCh38, 1-based): chr1:186,119,275, G>A. VCF-style: chr1-186119275-G-A. GRCh37 (hg19) VCF-style: chr1-186088407-G-A.
Other names: short protein forms R3978Q.
Identifiers: ClinVar variation 1512392 (VCV001512392.6), dbSNP rs756043609, ClinGen allele CA33508837.

ClinVar aggregate classification (germline): Uncertain significance (1 of 4 stars; one submission).

Allele frequency attached by ClinVar (database versions not stated): TOPMed below 0.00001; gnomAD 0.00001; gnomAD exomes 0.00001.
gnomAD v4.1: 19 of 1,613,306 alleles (0.0012%); highest among the groups gnomAD compares: Admixed American, 0.0017%; no homozygotes.

Submission:

Labcorp Genetics (formerly Invitae), Labcorp
Classification: Uncertain significance. Last evaluated: 2022-09-01. Review status: criteria provided, single submitter. Criteria: Invitae Variant Classification Sherloc (09022015). Collection method: clinical testing. Allele origin: germline.
Comment: This sequence change replaces arginine, which is basic and polar, with glutamine, which is neutral and polar, at codon 3978 of the HMCN1 protein (p.Arg3978Gln). In summary, the available evidence is currently insufficient to determine the role of this variant in disease. Therefore, it has been classified as a Variant of Uncertain Significance. Algorithms developed to predict the effect of missense changes on protein structure and function are either unavailable or do not agree on the potential impact of this missense change (SIFT: "Tolerated"; PolyPhen-2: "Probably Damaging"; Align-GVGD: "Class C0"). ClinVar contains an entry for this variant (Variation ID: 1512392). This variant has not been reported in the literature in individuals affected with HMCN1-related conditions. This variant is present in population databases (rs756043609, gnomAD 0.006%).